The following is an entry in ClinVar:

NM_000289.6(PFKM):c.1341+1G>C

Gene: PFKM (phosphofructokinase, muscle; plus strand). Cytogenetic location: 12q13.11.
Variant type: single nucleotide variant.
Coding change: c.1341+1G>C on transcript NM_000289.6 (MANE Select); the canonical splice donor site of the intron after coding-DNA position 1341, G replaced by C.
Molecular consequence: splice donor variant.
Genome position (GRCh38, 1-based): chr12:48,140,872, G>C. VCF-style: chr12-48140872-G-C. GRCh37 (hg19) VCF-style: chr12-48534655-G-C.
Other names: c.1365+1G>C (NM_001354741.2); c.1341+1G>C (NM_001354742.2, NM_001354743.2, NM_001354744.2 and 2 more transcripts); c.1191+1G>C (NM_001354747.2, NM_001354748.2); c.1554+1G>C (NM_001166686.2, NM_001354737.1, NM_001354739.1 and 1 more transcripts); c.1650+1G>C (NM_001354736.1, NM_001354735.1); c.1485+1G>C (NM_001354740.1); c.1254+1G>C (NM_001354745.2); c.1215+1G>C (NM_001354746.2); and 1 more.
Identifiers: ClinVar variation 2072754 (VCV002072754.4), dbSNP rs755419857, ClinGen allele CA384550863.

ClinVar aggregate classification (germline): Likely pathogenic (1 of 4 stars; one submission).

Conditions:
Glycogen storage disease, type VII (GSD7). Also called: MUSCLE PHOSPHOFRUCTOKINASE DEFICIENCY; PFKM DEFICIENCY; TARUI DISEASE; GSD VII. Identifiers: Orphanet 371, MedGen C0017926, MONDO:0009295, OMIM 232800.

Submission:

Labcorp Genetics (formerly Invitae), Labcorp
Classification: Likely pathogenic for Glycogen storage disease, type VII. Last evaluated: 2022-02-08. Review status: criteria provided, single submitter. Criteria: Invitae Variant Classification Sherloc (09022015). Collection method: clinical testing. Allele origin: germline.
Comment: This sequence change affects a donor splice site in intron 14 of the PFKM gene. It is expected to disrupt RNA splicing. Variants that disrupt the donor or acceptor splice site typically lead to a loss of protein function (PMID: 16199547), and loss-of-function variants in PFKM are known to be pathogenic (PMID: 7825568, 8037209). This variant is not present in population databases (gnomAD no frequency). Disruption of this splice site has been observed in individual(s) with Tarui disease (PMID: 2140573). Algorithms developed to predict the effect of sequence changes on RNA splicing suggest that this variant may disrupt the consensus splice site. In summary, the currently available evidence indicates that the variant is pathogenic, but additional data are needed to prove that conclusively. Therefore, this variant has been classified as Likely Pathogenic.

Literature cited by the submitters: PubMed 16199547; PubMed 7825568; PubMed 8037209; PubMed 2140573.